The following is an entry in ClinVar:

ClinVar aggregate classification (germline): Conflicting classifications of pathogenicity. Review status: criteria provided, conflicting classifications (1 of 4 stars). 3 submissions from 3 submitters: Likely pathogenic (2); Uncertain significance (1). Last evaluated 2025-04-29.

Conditions:
Hereditary angioedema type 1 (HAE1). Identifiers: Orphanet 100050, Orphanet 100051, Orphanet 91378, MedGen C2717906, MONDO:0015053, OMIM 106100.
Hereditary angioedema types I and II.

Submissions (3):

North West Genomic Laboratory Hub, Manchester University NHS Foundation Trust
Classification: Likely pathogenic for Hereditary angioedema types I and II. Last evaluated: 2025-04-29. Review status: criteria provided, single submitter. Criteria: ACGS Best Practice Guidelines for Variant Classification in Rare Disease 2024. Collection method: clinical testing. Allele origin: germline. Affected: yes.
Comment: PS4_Supp PP3_Supp PP4_Mod PM2_Mod

Labcorp Genetics (formerly Invitae), Labcorp
Classification: Uncertain significance. Last evaluated: 2025-04-11. Review status: criteria provided, single submitter. Criteria: Invitae Variant Classification Sherloc (09022015). Collection method: clinical testing. Allele origin: germline.
Comment: This sequence change replaces leucine, which is neutral and non-polar, with proline, which is neutral and non-polar, at codon 151 of the SERPING1 protein (p.Leu151Pro). This variant is not present in population databases (gnomAD no frequency). This missense change has been observed in individual(s) with autosomal dominant hereditary angioedema (PMID: 30278448). ClinVar contains an entry for this variant (Variation ID: 3336700). Invitae Evidence Modeling of protein sequence and biophysical properties (such as structural, functional, and spatial information, amino acid conservation, physicochemical variation, residue mobility, and thermodynamic stability) indicates that this missense variant is expected to disrupt SERPING1 protein function with a positive predictive value of 95%. Experimental studies have shown that this missense change affects SERPING1 function (PMID: 37301409). This variant disrupts the p.Leu151 amino acid residue in SERPING1. Other variant(s) that disrupt this residue have been observed in individuals with SERPING1-related conditions (PMID: 31517426), which suggests that this may be a clinically significant amino acid residue. In summary, the available evidence is currently insufficient to determine the role of this variant in disease. Therefore, it has been classified as a Variant of Uncertain Significance.

DNA-diagnostics Laboratory, Research Centre For Medical Genetics
Classification: Likely pathogenic for Hereditary angioedema type 1. Last evaluated: 2024-08-09. Review status: criteria provided, single submitter. Criteria: ACMG Guidelines, 2015. Collection method: research. Allele origin: germline. Inheritance: Autosomal dominant inheritance. Affected: yes. Observed: 1 heterozygote.
Comment: According to published information (Mete Gökmen et al., 2019), the c.452T>C variant in SERPING1 meets ACMG/ClinGen SVI guidance criteria to be classified as likely pathogenic: PP3_Mod, PP4_Mod, PM2_Sup, PP2

Literature cited by the submitters: PubMed 30278448 (cited by Labcorp Genetics (formerly Invitae), Labcorp and DNA-diagnostics Laboratory, Research Centre For Medical Genetics); PubMed 37301409 (cited by Labcorp Genetics (formerly Invitae), Labcorp); PubMed 31517426 (cited by Labcorp Genetics (formerly Invitae), Labcorp).

NM_000062.3(SERPING1):c.452T>C (p.Leu151Pro)

Gene: SERPING1 (serpin family G member 1; plus strand). Cytogenetic location: 11q12.1.
Variant type: single nucleotide variant.
Coding change: c.452T>C on transcript NM_000062.3 (MANE Select); coding-DNA position 452, T replaced by C.
Protein change: p.Leu151Pro; replaces leucine 151 with proline.
Molecular consequence: missense variant.
Genome position (GRCh38, 1-based): chr11:57,600,279, T>C. VCF-style: chr11-57600279-T-C. GRCh37 (hg19) VCF-style: chr11-57367752-T-C.
Other names: c.452T>C, p.Leu151Pro (NM_001032295.2); short protein forms L151P.
Identifiers: ClinVar variation 3336700 (VCV003336700.4).